The following is an entry in ClinVar:

NM_000092.5(COL4A4):c.275G>A (p.Gly92Glu)

Gene: COL4A4 (collagen type IV alpha 4 chain; minus strand). Cytogenetic location: 2q36.3.
Variant type: single nucleotide variant.
Coding change: c.275G>A on transcript NM_000092.5 (MANE Select); coding-DNA position 275, G replaced by A.
Protein change: p.Gly92Glu; replaces glycine 92 with glutamic acid.
Molecular consequence: missense variant.
Genome position (GRCh38, 1-based): chr2:227,121,066, C>T on the plus strand (G>A on the coding strand, the complement: COL4A4 is on the minus strand). VCF-style: chr2-227121066-C-T. GRCh37 (hg19) VCF-style: chr2-227985782-C-T.
Other names: short protein forms G92E.
Identifiers: ClinVar variation 1061851 (VCV001061851.9), dbSNP rs2125036772, ClinGen allele CA350863320.
Genomic context (GRCh38, chr2:227,121,066, plus strand): 5'-TGGCTTACCTTATCTCCTTTGTCCCCTGCTGCTCCAGGAGGGCCGCGGTCCCCTCTCATT[C>T]CTTTCTCTCCTGAAAGCCCAATGGGTCCTGGGGCTCCCAGGGGTCCAATTGGACCCTGTG-3'
Protein context (NP_000083.3, residues 82-102): PGPIGLSGEK[Gly92Glu]MRGDRGPPGA

ClinVar aggregate classification (germline): Uncertain significance (1 of 4 stars; one submission).

Submission:

Labcorp Genetics (formerly Invitae), Labcorp
Classification: Uncertain significance. Last evaluated: 2020-08-15. Review status: criteria provided, single submitter. Criteria: Invitae Variant Classification Sherloc (09022015). Collection method: clinical testing. Allele origin: germline.
Comment: Algorithms developed to predict the effect of missense changes on protein structure and function are either unavailable or do not agree on the potential impact of this missense change (SIFT: "Deleterious"; PolyPhen-2: "Probably Damaging"; Align-GVGD: "Class C0"). This variant has not been reported in the literature in individuals with COL4A4-related conditions. This variant is not present in population databases (ExAC no frequency). This sequence change replaces glycine with glutamic acid at codon 92 of the COL4A4 protein (p.Gly92Glu). The glycine residue is highly conserved and there is a moderate physicochemical difference between glycine and glutamic acid. In summary, the available evidence is currently insufficient to determine the role of this variant in disease. Therefore, it has been classified as a Variant of Uncertain Significance.